The following is an entry in ClinVar:

ClinVar aggregate classification (germline): Uncertain significance (1 of 4 stars; one submission).

Allele frequency attached by ClinVar (database versions not stated): gnomAD exomes below 0.00001 and 0.00001; TOPMed 0.00001.
gnomAD v4.1: 4 of 1,575,004 alleles (0.00025%); highest among the groups gnomAD compares: Admixed American, 0.0018%; no homozygotes.

Submission:

Labcorp Genetics (formerly Invitae), Labcorp
Classification: Uncertain significance. Last evaluated: 2021-08-06. Review status: criteria provided, single submitter. Criteria: Invitae Variant Classification Sherloc (09022015). Collection method: clinical testing. Allele origin: germline.
Comment: This sequence change replaces threonine with alanine at codon 348 of the PLAA protein (p.Thr348Ala). The threonine residue is moderately conserved and there is a small physicochemical difference between threonine and alanine. This variant is not present in population databases (ExAC no frequency). This variant has not been reported in the literature in individuals affected with PLAA-related conditions. Algorithms developed to predict the effect of missense changes on protein structure and function (SIFT, PolyPhen-2, Align-GVGD) all suggest that this variant is likely to be tolerated. In summary, the available evidence is currently insufficient to determine the role of this variant in disease. Therefore, it has been classified as a Variant of Uncertain Significance.

NM_001031689.3(PLAA):c.1042A>G (p.Thr348Ala)

Gene: PLAA (phospholipase A2 activating protein; minus strand). Cytogenetic location: 9p21.2.
Variant type: single nucleotide variant.
Coding change: c.1042A>G on transcript NM_001031689.3 (MANE Select); coding-DNA position 1042, A replaced by G.
Protein change: p.Thr348Ala; replaces threonine 348 with alanine.
Molecular consequence: missense variant.
Genome position (GRCh38, 1-based): chr9:26,920,382, T>C on the plus strand (A>G on the coding strand, the complement: PLAA is on the minus strand). VCF-style: chr9-26920382-T-C. GRCh37 (hg19) VCF-style: chr9-26920380-T-C.
Other names: c.1042A>G, p.Thr348Ala (NM_001321546.2); short protein forms T348A.
Identifiers: ClinVar variation 1384422 (VCV001384422.3), dbSNP rs1406166675, ClinGen allele CA373132711.
Genomic context (GRCh38, chr9:26,920,382, plus strand): 5'-TCCACTGATAGGCTTCGACTTTCTCCCCATCTCTGATTAGACGAGTCTGTCCTTCTCTAG[T>C]ACCTTAAAATAAAAATTTTAAGAATCAAAGGTAGAATGGCAATGTAAAATTGAAAAACAT-3'
Protein context (NP_001026859.1, residues 338-358): PGREHLNEPG[Thr348Ala]REGQTRLIRD